The following is an entry in ClinVar:

NM_002755.4(MAP2K1):c.792TCC[1] (p.Pro266del)

Gene: MAP2K1 (mitogen-activated protein kinase kinase 1; plus strand). Cytogenetic location: 15q22.31.
Variant type: Microsatellite.
Coding change: c.792TCC[1] on transcript NM_002755.4 (MANE Select); one copy of the 3-base unit TCC starting at c.792; the reference has two copies in a row; one copy, 3 bases deleted.
Protein change: p.Pro266del; deletes proline 266.
Genome position (GRCh38, 1-based): chr15:66,485,091-66,485,093, TCC deleted; deleting any 3 consecutive bases within chr15:66,485,086-66,485,093 gives the same sequence; the position shown is the placement nearest the transcript's 3' end. VCF-style (leftmost placement, unchanged base first): chr15-66485085-CCCT-C. GRCh37 (hg19) VCF-style: chr15-66777423-CCCT-C.
Other names: c.648TCC[1], p.Pro218del (NM_001411065.1); short protein forms P218del, P266del.
Identifiers: ClinVar variation 3716737 (VCV003716737.2).

ClinVar aggregate classification (germline): Uncertain significance (1 of 4 stars; one submission).

Conditions:
RASopathy. Also called: rasopathies; Noonan spectrum disorder. Identifiers: Orphanet 536391, MedGen C5555857, MONDO:0021060.

Submission:

Labcorp Genetics (formerly Invitae), Labcorp
Classification: Uncertain significance for RASopathy. Last evaluated: 2024-04-06. Review status: criteria provided, single submitter. Criteria: Invitae Variant Classification Sherloc (09022015). Collection method: clinical testing. Allele origin: germline.
Comment: This variant, c.795_797del, results in the deletion of 1 amino acid(s) of the MAP2K1 protein (p.Pro266del), but otherwise preserves the integrity of the reading frame. This variant is not present in population databases (gnomAD no frequency). This variant has not been reported in the literature in individuals affected with MAP2K1-related conditions. Experimental studies and prediction algorithms are not available or were not evaluated, and the functional significance of this variant is currently unknown. In summary, the available evidence is currently insufficient to determine the role of this variant in disease. Therefore, it has been classified as a Variant of Uncertain Significance.